The following is an entry in ClinVar:

ClinVar aggregate classification (germline): Conflicting classifications of pathogenicity. Review status: criteria provided, conflicting classifications (1 of 4 stars). 4 submissions from 4 submitters: Uncertain significance (3); Likely benign (1). Last evaluated 2024-09-23.

Conditions:
Inborn genetic diseases. Identifiers: MedGen C0950123, MeSH D030342.

Allele frequency attached by ClinVar (database versions not stated): 1000 Genomes Project 0.00020; 1000 Genomes Project 30x 0.00031; TOPMed 0.00077; ESP Exome Variant Server 0.00079.
gnomAD v4.1: 1,542 of 1,612,936 alleles (0.096%); highest among the groups gnomAD compares: Non-Finnish European, 0.12%; 3 homozygotes.

Submissions (4):

Blueprint Genetics
Classification: Likely benign. Last evaluated: 2024-09-23. Review status: criteria provided, single submitter. Criteria: ACMG Guidelines, 2015. Collection method: clinical testing. Allele origin: germline.

Labcorp Genetics (formerly Invitae), Labcorp
Classification: Uncertain significance. Last evaluated: 2022-08-22. Review status: criteria provided, single submitter. Criteria: Invitae Variant Classification Sherloc (09022015). Collection method: clinical testing. Allele origin: germline.
Comment: This sequence change replaces aspartic acid, which is acidic and polar, with glutamic acid, which is acidic and polar, at codon 903 of the KIAA1549 protein (p.Asp903Glu). This variant is present in population databases (rs201768497, gnomAD 0.1%), and has an allele count higher than expected for a pathogenic variant. This missense change has been observed in individual(s) with clinical features of retinitis pigmentosa (Invitae). ClinVar contains an entry for this variant (Variation ID: 856506). Algorithms developed to predict the effect of missense changes on protein structure and function output the following: SIFT: "Tolerated"; PolyPhen-2: "Benign"; Align-GVGD: "Class C0". The glutamic acid amino acid residue is found in multiple mammalian species, which suggests that this missense change does not adversely affect protein function. In summary, the available evidence is currently insufficient to determine the role of this variant in disease. Therefore, it has been classified as a Variant of Uncertain Significance.

Ambry Genetics
Classification: Uncertain significance for Inborn genetic diseases. Last evaluated: 2021-09-22. Review status: criteria provided, single submitter. Criteria: Ambry Variant Classification Scheme 2023. Collection method: clinical testing. Allele origin: germline.

Breakthrough Genomics
Classification: Uncertain significance. Review status: criteria provided, single submitter. Criteria: ACMG Guidelines, 2015. Collection method: not provided. Allele origin: germline. Inheritance: Autosomal recessive inheritance. Affected: yes.

NM_001164665.2(KIAA1549):c.2709C>A (p.Asp903Glu)

Gene: KIAA1549 (KIAA1549; minus strand). Cytogenetic location: 7q34.
Variant type: single nucleotide variant.
Coding change: c.2709C>A on transcript NM_001164665.2 (MANE Select); coding-DNA position 2709, C replaced by A.
Protein change: p.Asp903Glu; replaces aspartic acid 903 with glutamic acid.
Molecular consequence: missense variant.
Genome position (GRCh38, 1-based): chr7:138,916,917, G>T on the plus strand (C>A on the coding strand, the complement: KIAA1549 is on the minus strand). VCF-style: chr7-138916917-G-T. GRCh37 (hg19) VCF-style: chr7-138601663-G-T.
Other names: c.2709C>A, p.Asp903Glu (NM_020910.3); short protein forms D903E.
Identifiers: ClinVar variation 856506 (VCV000856506.8), dbSNP rs201768497, ClinGen allele CA4506443.